The following is an entry in ClinVar:

ClinVar aggregate classification (germline): Conflicting classifications of pathogenicity. Review status: criteria provided, conflicting classifications (1 of 4 stars). 3 submissions from 3 submitters: Uncertain significance (2); Likely benign (1). Last evaluated 2026-06-16.

Conditions:
Hereditary diffuse gastric adenocarcinoma (HDGC). Also called: DIFFUSE GASTRIC AND LOBULAR BREAST CANCER SYNDROME. Identifiers: Orphanet 26106, MedGen C1708349, MONDO:0007648, OMIM 137215.
Hereditary cancer-predisposing syndrome. Also called: Neoplastic Syndromes, Hereditary; Hereditary Cancer Syndrome; Hereditary neoplastic syndrome; Tumor predisposition. Identifiers: Orphanet 140162, MedGen C0027672, MeSH D009386, MONDO:0015356.

Allele frequency attached by ClinVar (database versions not stated): gnomAD exomes below 0.00001; gnomAD 0.00001; 1000 Genomes Project 30x 0.00016; 1000 Genomes Project 0.00020.
gnomAD v4.1: 1 of 1,614,154 alleles (0.000062%); highest among the groups gnomAD compares: Admixed American, 0.0017%; no homozygotes.

Submissions (3):

Ambry Genetics
Classification: Likely benign for Hereditary cancer-predisposing syndrome. Last evaluated: 2026-06-16. Review status: criteria provided, single submitter. Criteria: Ambry Variant Classification Scheme 2023. Collection method: clinical testing. Allele origin: germline.

Labcorp Genetics (formerly Invitae), Labcorp
Classification: Uncertain significance for Hereditary diffuse gastric adenocarcinoma. Last evaluated: 2021-12-02. Review status: criteria provided, single submitter. Criteria: Invitae Variant Classification Sherloc (09022015). Collection method: clinical testing. Allele origin: germline.
Comment: This sequence change replaces alanine, which is neutral and non-polar, with threonine, which is neutral and polar, at codon 401 of the CDH1 protein (p.Ala401Thr). In summary, the available evidence is currently insufficient to determine the role of this variant in disease. Therefore, it has been classified as a Variant of Uncertain Significance. Algorithms developed to predict the effect of missense changes on protein structure and function (SIFT, PolyPhen-2, Align-GVGD) all suggest that this variant is likely to be tolerated. ClinVar contains an entry for this variant (Variation ID: 578436). This variant has not been reported in the literature in individuals affected with CDH1-related conditions. This variant is not present in population databases (gnomAD no frequency).

Color Diagnostics, LLC DBA Color Health
Classification: Uncertain significance for Hereditary cancer-predisposing syndrome. Last evaluated: 2021-02-16. Review status: criteria provided, single submitter. Criteria: ACMG Guidelines, 2015. Collection method: clinical testing. Allele origin: germline.
Comment: This missense variant replaces alanine with threonine at codon 401 of the CDH1 protein. Computational prediction suggests that this variant may not impact protein structure and function (internally defined REVEL score threshold <= 0.5, PMID: 27666373). To our knowledge, functional studies have not been reported for this variant. This variant has not been reported in individuals affected with hereditary cancer in the literature. This variant has been identified in 1/251484 chromosomes in the general population by the Genome Aggregation Database (gnomAD). The available evidence is insufficient to determine the role of this variant in disease conclusively. Therefore, this variant is classified as a Variant of Uncertain Significance.

NM_004360.5(CDH1):c.1201G>A (p.Ala401Thr)

Gene: CDH1 (cadherin 1; plus strand). Cytogenetic location: 16q22.1.
Variant type: single nucleotide variant.
Coding change: c.1201G>A on transcript NM_004360.5 (MANE Select); coding-DNA position 1201, G replaced by A.
Protein change: p.Ala401Thr; replaces alanine 401 with threonine.
Molecular consequence: missense variant. On other transcripts: 5 prime UTR variant (2), intron variant (1).
Genome position (GRCh38, 1-based): chr16:68,813,376, G>A. VCF-style: chr16-68813376-G-A. GRCh37 (hg19) VCF-style: chr16-68847279-G-A.
Other names: c.1201G>A (LRG_301t1); c.-415G>A (NM_001317185.2); c.-619G>A (NM_001317186.2); c.1137+1113G>A (NM_001317184.2); short protein forms A401T.
Identifiers: ClinVar variation 578436 (VCV000578436.13), dbSNP rs553525438, ClinGen allele CA283307221.